The following is an entry in ClinVar:

ClinVar aggregate classification (germline): Likely benign. Review status: criteria provided, single submitter (1 of 4 stars). 2 submissions from 2 submitters: Likely benign (1). 1 of the submissions does not count toward it. Last evaluated 2022-07-19.

Conditions:
Hypogonadotropic hypogonadism 2 with or without anosmia (HH2). Also called: FGFR1-Related GnRH Deficiency (Kallmann Syndrome 2); HYPOGONADOTROPIC HYPOGONADISM 2 WITHOUT ANOSMIA; HYPOGONADOTROPIC HYPOGONADISM 2 WITH OR WITHOUT ANOSMIA, SUSCEPTIBILITY TO; HYPOGONADOTROPIC HYPOGONADISM 2 WITHOUT ANOSMIA, SUSCEPTIBILITY TO. Identifiers: Orphanet 478, MedGen C1563720, MONDO:0007844, OMIM 147950. Disease mechanism: loss of function.
Pfeiffer syndrome (ACS5). Also called: ACS V. Identifiers: Orphanet 710, MedGen C0220658, MONDO:0007043, OMIM 101600.
FGFR1-related disorder. Also called: FGFR1-related disorders; FGFR1-related condition. Identifiers: MedGen CN380097.

Allele frequency attached by ClinVar (database versions not stated): gnomAD exomes 0.00001; ExAC 0.00002; TOPMed 0.00003; gnomAD 0.00004; ESP Exome Variant Server 0.00016.
gnomAD v4.1: 25 of 1,614,108 alleles (0.0015%); highest among the groups gnomAD compares: African/African-American, 0.004%; no homozygotes.

Submissions (2):

Labcorp Genetics (formerly Invitae), Labcorp
Classification: Likely benign for Pfeiffer syndrome; Hypogonadotropic hypogonadism 2 with or without anosmia. Last evaluated: 2022-07-19. Review status: criteria provided, single submitter. Criteria: Invitae Variant Classification Sherloc (09022015). Collection method: clinical testing. Allele origin: germline.

PreventionGenetics, part of Exact Sciences
Classification: Likely benign for FGFR1-related condition. Last evaluated: 2023-03-06. Review status: no assertion criteria provided. Collection method: clinical testing. Allele origin: germline. Not counted in ClinVar's aggregate classification.
Comment: This variant is classified as likely benign based on ACMG/AMP sequence variant interpretation guidelines (Richards et al. 2015 PMID: 25741868, with internal and published modifications).

NM_023110.3(FGFR1):c.849G>A (p.Pro283=)

Gene: FGFR1 (fibroblast growth factor receptor 1; minus strand). Cytogenetic location: 8p11.23.
Variant type: single nucleotide variant.
Coding change: c.849G>A on transcript NM_023110.3 (MANE Select); coding-DNA position 849, G replaced by A.
Protein change: p.Pro283=; no amino-acid change (proline 283 retained).
Molecular consequence: synonymous variant.
Genome position (GRCh38, 1-based): chr8:38,424,596, C>T on the plus strand (G>A on the coding strand, the complement: FGFR1 is on the minus strand). VCF-style: chr8-38424596-C-T. GRCh37 (hg19) VCF-style: chr8-38282114-C-T.
Other names: c.849G>A, p.Pro283= (NM_000604.2, NM_001174063.2); c.825G>A, p.Pro275= (NM_001174064.2); c.843G>A, p.Pro281= (NM_001174065.2, NM_001354367.2, NM_001354369.2 and 2 more transcripts); c.582G>A, p.Pro194= (NM_001174066.2, NM_023105.3); c.942G>A, p.Pro314= (NM_001174067.2); c.576G>A, p.Pro192= (NM_001354368.2, NM_001354370.2, NM_023106.3).
Identifiers: ClinVar variation 2191626 (VCV002191626.6), dbSNP rs374583846, ClinGen allele CA4718633.